The following is an entry in ClinVar:

ClinVar aggregate classification (germline): Uncertain significance (1 of 4 stars; one submission).

Submission:

GeneDx
Classification: Uncertain significance. Last evaluated: 2019-09-16. Review status: criteria provided, single submitter. Criteria: GeneDx Variant Classification Process June 2021. Collection method: clinical testing. Allele origin: germline. Affected: yes.
Comment: Not observed in large population cohorts (Lek et al., 2016); In silico analysis, which includes protein predictors and evolutionary conservation, supports a deleterious effect; Has not been previously published as pathogenic or benign to our knowledge

NM_002609.4(PDGFRB):c.241T>A (p.Phe81Ile)

Gene: PDGFRB (platelet derived growth factor receptor beta; minus strand). Cytogenetic location: 5q32.
Variant type: single nucleotide variant.
Coding change: c.241T>A on transcript NM_002609.4 (MANE Select); coding-DNA position 241, T replaced by A.
Protein change: p.Phe81Ile; replaces phenylalanine 81 with isoleucine.
Molecular consequence: missense variant. On other transcripts: 5 prime UTR variant (1).
Genome position (GRCh38, 1-based): chr5:150,135,678, A>T on the plus strand (T>A on the coding strand, the complement: PDGFRB is on the minus strand). VCF-style: chr5-150135678-A-T. GRCh37 (hg19) VCF-style: chr5-149515241-A-T.
Other names: c.49T>A, p.Phe17Ile (NM_001355016.2); c.-277T>A (NM_001355017.2); short protein forms F17I, F81I.
Identifiers: ClinVar variation 1303700 (VCV001303700.2), dbSNP rs2113912334, ClinGen allele CA361728392.